The following is an entry in ClinVar:

NM_001365999.1(SZT2):c.28G>T (p.Val10Leu)

Gene: SZT2 (SZT2 subunit of KICSTOR complex; plus strand). Cytogenetic location: 1p34.2.
Variant type: single nucleotide variant.
Coding change: c.28G>T on transcript NM_001365999.1 (MANE Select); coding-DNA position 28, G replaced by T.
Protein change: p.Val10Leu; replaces valine 10 with leucine.
Molecular consequence: missense variant.
Genome position (GRCh38, 1-based): chr1:43,403,177, G>T. VCF-style: chr1-43403177-G-T. GRCh37 (hg19) VCF-style: chr1-43868848-G-T.
Other names: c.28G>T, p.Val10Leu (NM_015284.4); short protein forms V10L.
Identifiers: ClinVar variation 1999297 (VCV001999297.4), dbSNP rs1449881766, ClinGen allele CA339993941.

ClinVar aggregate classification (germline): Uncertain significance (1 of 4 stars; one submission).

Allele frequency attached by ClinVar (database versions not stated): gnomAD 0.00001.
gnomAD v4.1: 2 of 1,613,948 alleles (0.00012%); highest among the groups gnomAD compares: Non-Finnish European, 0.00017%; no homozygotes.

Submission:

Labcorp Genetics (formerly Invitae), Labcorp
Classification: Uncertain significance. Last evaluated: 2023-03-23. Review status: criteria provided, single submitter. Criteria: Invitae Variant Classification Sherloc (09022015). Collection method: clinical testing. Allele origin: germline.
Comment: In summary, the available evidence is currently insufficient to determine the role of this variant in disease. Therefore, it has been classified as a Variant of Uncertain Significance. This sequence change replaces valine, which is neutral and non-polar, with leucine, which is neutral and non-polar, at codon 10 of the SZT2 protein (p.Val10Leu). This variant is present in population databases (no rsID available, gnomAD 0.0009%). This variant has not been reported in the literature in individuals affected with SZT2-related conditions. ClinVar contains an entry for this variant (Variation ID: 1999297). An algorithm developed to predict the effect of missense changes on protein structure and function (PolyPhen-2) suggests that this variant is likely to be disruptive.